The following is an entry in ClinVar:

ClinVar aggregate classification (germline): Likely benign. Review status: criteria provided, multiple submitters, no conflicts (2 of 4 stars). 2 submissions from 2 submitters: Likely benign (2). Last evaluated 2023-06-27.

Conditions:
Intellectual developmental disorder, X-linked, syndromic, Hedera type. Also called: Syndromic X-linked intellectual disability Hedera type. Identifiers: Orphanet 93952, MedGen C1845543, MONDO:0010319, OMIM 300423.

Allele frequency attached by ClinVar (database versions not stated): gnomAD 0.00006 and 0.00005; ESP Exome Variant Server 0.00009; gnomAD exomes 0.00001 and below 0.00001; ExAC 0.00001; TOPMed 0.00006.
gnomAD v4.1: 11 of 1,201,812 alleles (0.00092%); highest among the groups gnomAD compares: African/African-American, 0.016%; no homozygotes.

Submissions (2):

Labcorp Genetics (formerly Invitae), Labcorp
Classification: Likely benign for Intellectual developmental disorder, X-linked, syndromic, Hedera type. Last evaluated: 2023-06-27. Review status: criteria provided, single submitter. Criteria: Invitae Variant Classification Sherloc (09022015). Collection method: clinical testing. Allele origin: germline.

GeneDx
Classification: Likely benign. Last evaluated: 2018-02-15. Review status: criteria provided, single submitter. Criteria: GeneDx Variant Classification (06012015). Collection method: clinical testing. Allele origin: germline. Affected: yes.
Comment: This variant is considered likely benign or benign based on one or more of the following criteria: it is a conservative change, it occurs at a poorly conserved position in the protein, it is predicted to be benign by multiple in silico algorithms, and/or has population frequency not consistent with disease.

NM_005765.3(ATP6AP2):c.588+7A>G

Gene: ATP6AP2 (ATPase H+ transporting accessory protein 2; plus strand). Cytogenetic location: Xp11.4.
Variant type: single nucleotide variant.
Coding change: c.588+7A>G on transcript NM_005765.3 (MANE Select); 7 bases into the intron after coding-DNA position 588, A replaced by G.
Molecular consequence: intron variant.
Genome position (GRCh38, 1-based): chrX:40,598,741, A>G. VCF-style: chrX-40598741-A-G. GRCh37 (hg19) VCF-style: chrX-40457993-A-G.
Identifiers: ClinVar variation 515405 (VCV000515405.6), dbSNP rs377112095, ClinGen allele CA10387242.